The following is an entry in ClinVar:

ClinVar aggregate classification (germline): Conflicting classifications of pathogenicity. Review status: criteria provided, conflicting classifications (1 of 4 stars). 5 submissions from 3 submitters: Uncertain significance (2); Benign (2); Likely benign (1). Last evaluated 2018-11-16.

Conditions:
Maturity-onset diabetes of the young type 13. Also called: MODY, TYPE 13. Identifiers: Orphanet 552, MedGen C4225365, MONDO:0014589, OMIM 616329.
Maturity-onset diabetes of the young (MODY). Also called: Maturity onset diabetes mellitus in young. Identifiers: Orphanet 552, MedGen C0342276, MONDO:0018911, HP:0004904.
Diabetes mellitus, transient neonatal, 3 (TNDM3). Identifiers: Orphanet 99886, MedGen C1864623, MONDO:0012522, OMIM 610582. Disease mechanism: loss of function.
Hyperinsulinemic hypoglycemia, familial, 2. Also called: HYPERINSULINEMIC HYPOGLYCEMIA, PERSISTENT; HYPERINSULINISM, NEONATAL. Identifiers: Orphanet 276580, Orphanet 276603, MedGen C2931833, MONDO:0011153, OMIM 601820. Disease mechanism: loss of function.

Allele frequency attached by ClinVar (database versions not stated): gnomAD exomes 0.00069; 1000 Genomes Project 0.00679; 1000 Genomes Project 30x 0.00687; gnomAD 0.00753 and 0.00819; TOPMed 0.00863.

Submissions (5):

GeneDx
Classification: Likely benign. Last evaluated: 2018-11-16. Review status: criteria provided, single submitter. Criteria: GeneDx Variant Classification Process June 2021. Collection method: clinical testing. Allele origin: germline. Affected: yes.

Illumina Laboratory Services, Illumina
Classification: Benign for Maturity-onset diabetes of the young type 13. Last evaluated: 2018-01-13. Review status: criteria provided, single submitter. Criteria: ICSL Variant Classification Criteria 13 December 2019. Collection method: clinical testing. Allele origin: germline.
Comment: This variant was observed in the ICSL laboratory as part of a predisposition screen in an ostensibly healthy population. It had not been previously curated by ICSL or reported in the Human Gene Mutation Database (HGMD: prior to June 1st, 2018), and was therefore a candidate for classification through an automated scoring system. Utilizing variant allele frequency, disease prevalence and penetrance estimates, and inheritance mode, an automated score was calculated to assess if this variant is too frequent to cause the disease. Based on the score and internal cut-off values, a variant classified as benign is not then subjected to further curation. The score for this variant resulted in a classification of benign for this disease.

Illumina Laboratory Services, Illumina
Classification: Benign for Diabetes mellitus, transient neonatal, 3. Last evaluated: 2018-01-13. Review status: criteria provided, single submitter. Criteria: ICSL Variant Classification Criteria 13 December 2019. Collection method: clinical testing. Allele origin: germline.
Comment: the same text as in the submission from Illumina Laboratory Services, Illumina above.

Illumina Laboratory Services, Illumina
Classification: Uncertain significance for Hyperinsulinemic hypoglycemia, familial, 2. Last evaluated: 2018-01-13. Review status: criteria provided, single submitter. Criteria: ICSL Variant Classification Criteria 13 December 2019. Collection method: clinical testing. Allele origin: germline.

Clinical Genomics, Uppaluri K&H Personalized Medicine Clinic
Classification: Uncertain significance for Maturity-onset diabetes of the young. Review status: criteria provided, single submitter. Criteria: K & H Uppaluri Personalized Medicine Clinic Variant Classification & Assertion Criteria_Updated V.1. Collection method: research. Allele origin: somatic. Inheritance: Autosomal dominant inheritance.
Comment: Mutations in KCNJ11 gene can cause decreased production and secretion of insulin. This can lead to MODY which may be responsive to oral sulfonylureas. It is also associated with Neonatal Diabetes. However, no sufficient evidence is found to ascertain the role of this particular variant (rs193076739) in MODY yet.

Literature cited by the submitters: PubMed 26448950 (cited by Clinical Genomics, Uppaluri K&H Personalized Medicine Clinic); PubMed 15580558 (cited by Clinical Genomics, Uppaluri K&H Personalized Medicine Clinic); PubMed 15718250 (cited by Clinical Genomics, Uppaluri K&H Personalized Medicine Clinic); PubMed 32935446 (cited by Clinical Genomics, Uppaluri K&H Personalized Medicine Clinic); PubMed 22701567 (cited by Clinical Genomics, Uppaluri K&H Personalized Medicine Clinic).

NM_000525.4(KCNJ11):c.*76G>A

Gene: KCNJ11 (potassium inwardly rectifying channel subfamily J member 11; minus strand). Cytogenetic location: 11p15.1.
Variant type: single nucleotide variant.
Coding change: c.*76G>A on transcript NM_000525.4 (MANE Select); 76 bases downstream of the stop codon, G replaced by A.
Molecular consequence: 3 prime UTR variant.
Genome position (GRCh38, 1-based): chr11:17,386,843, C>T on the plus strand (G>A on the coding strand, the complement: KCNJ11 is on the minus strand). VCF-style: chr11-17386843-C-T. GRCh37 (hg19) VCF-style: chr11-17408390-C-T.
Other names: c.*76G>A (NM_001166290.2, NM_001377296.1, NM_001377297.1).
Identifiers: ClinVar variation 303730 (VCV000303730.9), dbSNP rs193076739, ClinGen allele CA10630456.
Genomic context (GRCh38, chr11:17,386,843, plus strand): 5'-GCCTTGTAACACCCTGGATGAGCAGCAGGGGGAGGCTGAGCTGAGGCTGGCCCAGCCTCA[C>T]ACCAGGCCCTGGCCGGGCTACATACCACATGGTCCGTGTGTACACACGCGTGTGGGGGGC-3'